The following is an entry in ClinVar:

NM_006363.6(SEC23B):c.350T>C (p.Ile117Thr)

Gene: SEC23B (SEC23 homolog B, COPII coat complex component; plus strand). Cytogenetic location: 20p11.23.
Variant type: single nucleotide variant.
Coding change: c.350T>C on transcript NM_006363.6 (MANE Select); coding-DNA position 350, T replaced by C.
Protein change: p.Ile117Thr; replaces isoleucine 117 with threonine.
Molecular consequence: missense variant.
Genome position (GRCh38, 1-based): chr20:18,515,720, T>C. VCF-style: chr20-18515720-T-C. GRCh37 (hg19) VCF-style: chr20-18496364-T-C.
Other names: c.350T>C, p.Ile117Thr (NM_001172745.3, NM_001172746.3, NM_032985.6 and 1 more transcripts); short protein forms I117T.
Identifiers: ClinVar variation 3766848 (VCV003766848.1).

ClinVar aggregate classification (germline): Uncertain significance (1 of 4 stars; one submission).

gnomAD v4.1: 2 of 1,597,054 alleles (0.00013%); highest among the groups gnomAD compares: South Asian, 0.0022%; no homozygotes.

Submission:

ARUP Laboratories, Molecular Genetics and Genomics, ARUP Laboratories
Classification: Uncertain significance. Last evaluated: 2024-09-24. Review status: criteria provided, single submitter. Criteria: ARUP Molecular Germline Variant Investigation Process 2024. Collection method: clinical testing. Allele origin: germline.
Comment: The SEC23B c.350T>C; p.Ile117Thr variant (rs776548475), to our knowledge, is not reported in the medical literature or gene specific databases. This variant is only observed on one allele in the Genome Aggregation Database (v2.1.1), indicating it is not a common polymorphism. Computational analyses predict that this variant is deleterious (REVEL: 0.94). Due to limited information, the clinical significance of this variant is uncertain at this time.